The following is an entry in ClinVar:

NM_005228.5(EGFR):c.889C>G (p.Arg297Gly)

Gene: EGFR (epidermal growth factor receptor; plus strand). Cytogenetic location: 7p11.2.
Variant type: single nucleotide variant.
Coding change: c.889C>G on transcript NM_005228.5 (MANE Select); coding-DNA position 889, C replaced by G.
Protein change: p.Arg297Gly; replaces arginine 297 with glycine.
Molecular consequence: missense variant. On other transcripts: intron variant (1).
Genome position (GRCh38, 1-based): chr7:55,154,152, C>G. VCF-style: chr7-55154152-C-G. GRCh37 (hg19) VCF-style: chr7-55221845-C-G.
Other names: c.754C>G, p.Arg252Gly (NM_001346897.2, NM_001346899.2); c.889C>G, p.Arg297Gly (NM_001346898.2, NM_201282.2, NM_201283.2 and 1 more transcripts); c.730C>G, p.Arg244Gly (NM_001346900.2); c.89-1678C>G (NM_001346941.2); short protein forms R244G, R252G, R297G.
Identifiers: ClinVar variation 4767648 (VCV004767648.1).
Genomic context (GRCh38, chr7:55,154,152, plus strand): 5'-ATGGATGTGAACCCCGAGGGCAAATACAGCTTTGGTGCCACCTGCGTGAAGAAGTGTCCC[C>G]GTGAGTCCTCCTCTGTGGGCCCTCTAACTGGTCAGGCATCCTTGTCCCGCTCTGTCTCCT-3'
Protein context (NP_005219.2, residues 287-307): FGATCVKKCP[Arg297Gly]NYVVTDHGSC

ClinVar aggregate classification (germline): Uncertain significance (1 of 4 stars; one submission).

Conditions:
EGFR-related lung cancer (EGFR). Identifiers: MedGen CN130014.

Submission:

Labcorp Genetics (formerly Invitae), Labcorp
Classification: Uncertain significance for EGFR-related lung cancer. Last evaluated: 2025-09-22. Review status: criteria provided, single submitter. Criteria: Invitae Variant Classification Sherloc (09022015). Collection method: clinical testing. Allele origin: germline.
Comment: This sequence change replaces arginine, which is basic and polar, with glycine, which is neutral and non-polar, at codon 297 of the EGFR protein (p.Arg297Gly). This variant is not present in population databases (gnomAD no frequency). This variant has not been reported in the literature in individuals affected with EGFR-related conditions. An algorithm developed to predict the effect of missense changes on protein structure and function (PolyPhen-2) suggests that this variant is likely to be tolerated. In summary, the available evidence is currently insufficient to determine the role of this variant in disease. Therefore, it has been classified as a Variant of Uncertain Significance.